The following is an entry in ClinVar:

NM_002890.3(RASA1):c.2733T>A (p.Asn911Lys)

Genes: CCNH (cyclin H; minus strand), RASA1 (RAS p21 protein activator 1; plus strand). Cytogenetic location: 5q14.3.
Variant type: single nucleotide variant.
Coding change: c.2733T>A on transcript NM_002890.3 (MANE Select); coding-DNA position 2733, T replaced by A.
Protein change: p.Asn911Lys; replaces asparagine 911 with lysine.
Molecular consequence: missense variant. On other transcripts: intron variant (1).
Genome position (GRCh38, 1-based): chr5:87,383,755, T>A. VCF-style: chr5-87383755-T-A. GRCh37 (hg19) VCF-style: chr5-86679572-T-A.
Other names: c.2202T>A, p.Asn734Lys (NM_022650.3); c.933+11289A>T (NM_001364075.2); short protein forms N734K, N911K.
Identifiers: ClinVar variation 1417294 (VCV001417294.7), dbSNP rs766721039, ClinGen allele CA360386356.

ClinVar aggregate classification (germline): Uncertain significance (1 of 4 stars; one submission).

Conditions:
Capillary malformation-arteriovenous malformation syndrome. Also called: Capillary malformation-arteriovenous malformation. Identifiers: Orphanet 137667, MedGen C1842180, MONDO:0012016.

Submission:

Labcorp Genetics (formerly Invitae), Labcorp
Classification: Uncertain significance for Capillary malformation-arteriovenous malformation syndrome. Last evaluated: 2021-09-20. Review status: criteria provided, single submitter. Criteria: Invitae Variant Classification Sherloc (09022015). Collection method: clinical testing. Allele origin: germline.
Comment: This sequence change replaces asparagine with lysine at codon 911 of the RASA1 protein (p.Asn911Lys). The asparagine residue is highly conserved and there is a moderate physicochemical difference between asparagine and lysine. In summary, the available evidence is currently insufficient to determine the role of this variant in disease. Therefore, it has been classified as a Variant of Uncertain Significance. Algorithms developed to predict the effect of missense changes on protein structure and function (SIFT, PolyPhen-2, Align-GVGD) all suggest that this variant is likely to be disruptive. This variant has not been reported in the literature in individuals affected with RASA1-related conditions. This variant is not present in population databases (ExAC no frequency).